The following is an entry in ClinVar:

NM_033109.5(PNPT1):c.1862T>C (p.Val621Ala)

Gene: PNPT1 (polyribonucleotide nucleotidyltransferase 1; minus strand). Cytogenetic location: 2p16.1.
Variant type: single nucleotide variant.
Coding change: c.1862T>C on transcript NM_033109.5 (MANE Select); coding-DNA position 1862, T replaced by C.
Protein change: p.Val621Ala; replaces valine 621 with alanine.
Molecular consequence: missense variant.
Genome position (GRCh38, 1-based): chr2:55,644,681, A>G on the plus strand (T>C on the coding strand, the complement: PNPT1 is on the minus strand). VCF-style: chr2-55644681-A-G. GRCh37 (hg19) VCF-style: chr2-55871816-A-G.
Other names: short protein forms V621A.
Identifiers: ClinVar variation 1353699 (VCV001353699.8), dbSNP rs2104029915, ClinGen allele CA346924498.
Genomic context (GRCh38, chr2:55,644,681, plus strand): 5'-TTCATACAACTCTTACCTGTTTCAGCCTGAAGTTTTTTTAAGTTATAGCCACCAGGTCCA[A>G]CAAATTTTGCTCGTTTTGATAATGGAACCTGAACAGTTTCTGGAACGTAATACAGACAAA-3'
Protein context (NP_149100.2, residues 611-631): QVPLSKRAKF[Val621Ala]GPGGYNLKKL

ClinVar aggregate classification (germline): Uncertain significance (1 of 4 stars; one submission).

Submission:

Labcorp Genetics (formerly Invitae), Labcorp
Classification: Uncertain significance. Last evaluated: 2022-08-09. Review status: criteria provided, single submitter. Criteria: Invitae Variant Classification Sherloc (09022015). Collection method: clinical testing. Allele origin: germline.
Comment: This variant has not been reported in the literature in individuals affected with PNPT1-related conditions. This variant is not present in population databases (gnomAD no frequency). This sequence change replaces valine, which is neutral and non-polar, with alanine, which is neutral and non-polar, at codon 621 of the PNPT1 protein (p.Val621Ala). In summary, the available evidence is currently insufficient to determine the role of this variant in disease. Therefore, it has been classified as a Variant of Uncertain Significance. Algorithms developed to predict the effect of missense changes on protein structure and function are either unavailable or do not agree on the potential impact of this missense change (SIFT: "Deleterious"; PolyPhen-2: "Benign"; Align-GVGD: "Class C15"). ClinVar contains an entry for this variant (Variation ID: 1353699).